The following is an entry in ClinVar:

NM_005591.4(MRE11):c.1622G>A (p.Ser541Asn)

Gene: MRE11 (MRE11 double strand break repair nuclease; minus strand). Cytogenetic location: 11q21.
Variant type: single nucleotide variant.
Coding change: c.1622G>A on transcript NM_005591.4 (MANE Select); coding-DNA position 1622, G replaced by A.
Protein change: p.Ser541Asn; replaces serine 541 with asparagine.
Molecular consequence: missense variant.
Genome position (GRCh38, 1-based): chr11:94,447,380, C>T on the plus strand (G>A on the coding strand, the complement: MRE11 is on the minus strand). VCF-style: chr11-94447380-C-T. GRCh37 (hg19) VCF-style: chr11-94180546-C-T.
Other names: c.1622G>A, p.Ser541Asn (NM_001330347.2, NM_005590.4); short protein forms S541N.
Identifiers: ClinVar variation 485814 (VCV000485814.5), dbSNP rs876660758, ClinGen allele CA226524574.

ClinVar aggregate classification (germline): Uncertain significance (1 of 4 stars; one submission).

Conditions:
Hereditary cancer-predisposing syndrome. Also called: Tumor predisposition; Hereditary Cancer Syndrome; Hereditary neoplastic syndrome; Neoplastic Syndromes, Hereditary. Identifiers: Orphanet 140162, MedGen C0027672, MeSH D009386, MONDO:0015356.

Submission:

Ambry Genetics
Classification: Uncertain significance for Hereditary cancer-predisposing syndrome. Last evaluated: 2020-03-27. Review status: criteria provided, single submitter. Criteria: Ambry Variant Classification Scheme 2023. Collection method: clinical testing. Allele origin: germline.
Comment: The p.S541N variant (also known as c.1622G>A), located in coding exon 14 of the MRE11A gene, results from a G to A substitution at nucleotide position 1622. The serine at codon 541 is replaced by asparagine, an amino acid with highly similar properties. This amino acid position is well conserved in available vertebrate species. In addition, this alteration is predicted to be tolerated by in silico analysis. Since supporting evidence is limited at this time, the clinical significance of this alteration remains unclear.